The following is an entry in ClinVar:

NM_015272.5(RPGRIP1L):c.1052T>A (p.Leu351Ter)

Gene: RPGRIP1L (RPGRIP1 like; minus strand). Cytogenetic location: 16q12.2.
Variant type: single nucleotide variant.
Coding change: c.1052T>A on transcript NM_015272.5 (MANE Select); coding-DNA position 1052, T replaced by A.
Protein change: p.Leu351Ter; replaces leucine 351 with a stop codon.
Molecular consequence: nonsense.
Genome position (GRCh38, 1-based): chr16:53,671,561, A>T on the plus strand (T>A on the coding strand, the complement: RPGRIP1L is on the minus strand). VCF-style: chr16-53671561-A-T. GRCh37 (hg19) VCF-style: chr16-53705473-A-T.
Other names: c.1052T>A, p.Leu351Ter (NM_001127897.4, NM_001308334.3, NM_001330538.2); short protein forms L351*.
Identifiers: ClinVar variation 840356 (VCV000840356.8), dbSNP rs1968731636, ClinGen allele CA395922652.

ClinVar aggregate classification (germline): Pathogenic (1 of 4 stars; one submission).

Conditions:
Meckel-Gruber syndrome. Also called: DYSENCEPHALIA SPLANCHNOCYSTICA; GRUBER SYNDROME; Dysencephalia splachnocystica. Identifiers: Orphanet 564, MedGen C0265215, MONDO:0018921.
Joubert syndrome. Also called: CEREBELLOPARENCHYMAL DISORDER IV; JOUBERT-BOLTSHAUSER SYNDROME; Familial aplasia of the vermis. Identifiers: Orphanet 475, MedGen C5979921, MONDO:0018772.

Submission:

Labcorp Genetics (formerly Invitae), Labcorp
Classification: Pathogenic for Joubert syndrome; Meckel-Gruber syndrome. Last evaluated: 2019-11-30. Review status: criteria provided, single submitter. Criteria: Invitae Variant Classification Sherloc (09022015). Collection method: clinical testing. Allele origin: germline.
Comment: For these reasons, this variant has been classified as Pathogenic. Loss-of-function variants in RPGRIP1L are known to be pathogenic (PMID: 17558409). This variant has not been reported in the literature in individuals with RPGRIP1L-related conditions. This variant is not present in population databases (ExAC no frequency). This sequence change creates a premature translational stop signal (p.Leu351*) in the RPGRIP1L gene. It is expected to result in an absent or disrupted protein product.

Literature cited by the submitters: PubMed 17558409.